The following is an entry in ClinVar:

NM_001458.5(FLNC):c.2737G>A (p.Glu913Lys)

Gene: FLNC (filamin C; plus strand). Cytogenetic location: 7q32.1.
Variant type: single nucleotide variant.
Coding change: c.2737G>A on transcript NM_001458.5 (MANE Select); coding-DNA position 2737, G replaced by A.
Protein change: p.Glu913Lys; replaces glutamic acid 913 with lysine.
Molecular consequence: missense variant.
Genome position (GRCh38, 1-based): chr7:128,843,503, G>A. VCF-style: chr7-128843503-G-A. GRCh37 (hg19) VCF-style: chr7-128483557-G-A.
Other names: c.2737G>A, p.Glu913Lys (NM_001127487.2); short protein forms E913K.
Identifiers: ClinVar variation 1046652 (VCV001046652.17), dbSNP rs774707336, ClinGen allele CA4474833.
Genomic context (GRCh38, chr7:128,843,503, plus strand): 5'-CTGACCAAGGGAGCCGGCAAGGCCAAGCTGGATGTGCAGTTTGCAGGGACAGCCAAGGGC[G>A]AGGTTGTGCGGGACTTTGAGATCATAGACAACCATGACTACTCCTACACTGTCAAGTACA-3'
Protein context (NP_001449.3, residues 903-923): DVQFAGTAKG[Glu913Lys]VVRDFEIIDN

ClinVar aggregate classification (germline): Conflicting classifications of pathogenicity. Review status: criteria provided, conflicting classifications (1 of 4 stars). 5 submissions from 5 submitters: Uncertain significance (4); Likely benign (1). Last evaluated 2025-11-27.

Conditions:
Myofibrillar myopathy 5. Also called: Filaminopathy (type); FILAMINOPATHY, AUTOSOMAL DOMINANT. Identifiers: Orphanet 171445, MedGen C1836050, MONDO:0012289, OMIM 609524.
Distal myopathy with posterior leg and anterior hand involvement. Also called: WILLIAMS DISTAL MYOPATHY. Identifiers: Orphanet 63273, MedGen C3279722, MONDO:0013550, OMIM 614065.
Hypertrophic cardiomyopathy 26. Also called: Cardiomyopathy, familial hypertrophic, 26. Identifiers: Orphanet 75249, MedGen C4310749, MONDO:0014883, OMIM 617047.
Cardiovascular phenotype. Identifiers: MedGen CN230736.

Allele frequency attached by ClinVar (database versions not stated): ExAC 0.00001; gnomAD exomes 0.00001; gnomAD 0.00004; TOPMed 0.00006.
gnomAD v4.1: 26 of 1,613,922 alleles (0.0016%); highest among the groups gnomAD compares: African/African-American, 0.0093%; no homozygotes.

Submissions (5):

Labcorp Genetics (formerly Invitae), Labcorp
Classification: Likely benign for Distal myopathy with posterior leg and anterior hand involvement; Myofibrillar myopathy 5; Hypertrophic cardiomyopathy 26. Last evaluated: 2025-11-27. Review status: criteria provided, single submitter. Criteria: Invitae Variant Classification Sherloc (09022015). Collection method: clinical testing. Allele origin: germline.

GeneDx
Classification: Uncertain significance. Last evaluated: 2024-09-04. Review status: criteria provided, single submitter. Criteria: GeneDx Variant Classification Process June 2021. Collection method: clinical testing. Allele origin: germline. Affected: yes.
Comment: Reported in association with HCM in published literature (PMID: 30411535); Not observed at significant frequency in large population cohorts (gnomAD); In silico analysis indicates that this missense variant does not alter protein structure/function; This variant is associated with the following publications: (PMID: 32112656, 30411535)

Ambry Genetics
Classification: Uncertain significance for Cardiovascular phenotype. Last evaluated: 2024-06-28. Review status: criteria provided, single submitter. Criteria: Ambry Variant Classification Scheme 2023. Collection method: clinical testing. Allele origin: germline.
Comment: The p.E913K variant (also known as c.2737G>A), located in coding exon 18 of the FLNC gene, results from a G to A substitution at nucleotide position 2737. The glutamic acid at codon 913 is replaced by lysine, an amino acid with similar properties. This variant has been detected in an individual from a hypertrophic cardiomyopathy cohort; however, details were limited (Cui H et al. Mol Genet Genomic Med, 2018 11;6:1104-1113). This amino acid position is well conserved in available vertebrate species. In addition, the in silico prediction for this alteration is inconclusive. Based on the available evidence, the clinical significance of this variant remains unclear.

Revvity Omics, Revvity
Classification: Uncertain significance. Last evaluated: 2023-12-04. Review status: criteria provided, single submitter. Criteria: ACMG Guidelines, 2015. Collection method: clinical testing. Allele origin: germline.

Fulgent Genetics
Classification: Uncertain significance for Myofibrillar myopathy 5; Distal myopathy with posterior leg and anterior hand involvement; Hypertrophic cardiomyopathy 26. Last evaluated: 2021-08-20. Review status: criteria provided, single submitter. Criteria: ACMG Guidelines, 2015. Collection method: clinical testing. Allele origin: unknown.

Literature cited by the submitters: PubMed 30411535 (cited by Ambry Genetics).